The following is an entry in ClinVar:

NM_145207.3(AFG2A):c.574G>A (p.Val192Ile)

Gene: AFG2A (AFG2 AAA ATPase homolog A; plus strand). Cytogenetic location: 4q28.1.
Variant type: single nucleotide variant.
Coding change: c.574G>A on transcript NM_145207.3 (MANE Select); coding-DNA position 574, G replaced by A.
Protein change: p.Val192Ile; replaces valine 192 with isoleucine.
Molecular consequence: missense variant.
Genome position (GRCh38, 1-based): chr4:122,934,165, G>A. VCF-style: chr4-122934165-G-A. GRCh37 (hg19) VCF-style: chr4-123855320-G-A.
Other names: c.571G>A, p.Val191Ile (NM_001317799.2, NM_001345856.2); short protein forms V192I, V191I.
Identifiers: ClinVar variation 1360621 (VCV001360621.8), dbSNP rs1728918544, ClinGen allele CA358101527.

ClinVar aggregate classification (germline): Uncertain significance (1 of 4 stars; one submission).

Conditions:
Microcephaly-intellectual disability-sensorineural hearing loss-epilepsy-abnormal muscle tone syndrome (NEDHSB). Also called: NEURODEVELOPMENTAL DISORDER WITH HEARING LOSS, SEIZURES, AND BRAIN ABNORMALITIES. Identifiers: Orphanet 457351, MedGen C4225276, MONDO:0014698, OMIM 616577.

Allele frequency attached by ClinVar (database versions not stated): gnomAD exomes below 0.00001; TOPMed below 0.00001.
gnomAD v4.1: 2 of 1,614,170 alleles (0.00012%); highest among the groups gnomAD compares: Non-Finnish European, 0.00017%; no homozygotes.

Submission:

Labcorp Genetics (formerly Invitae), Labcorp
Classification: Uncertain significance for Microcephaly-intellectual disability-sensorineural hearing loss-epilepsy-abnormal muscle tone syndrome. Last evaluated: 2022-08-23. Review status: criteria provided, single submitter. Criteria: Invitae Variant Classification Sherloc (09022015). Collection method: clinical testing. Allele origin: germline.
Comment: This sequence change replaces valine, which is neutral and non-polar, with isoleucine, which is neutral and non-polar, at codon 192 of the SPATA5 protein (p.Val192Ile). This variant is not present in population databases (gnomAD no frequency). This variant has not been reported in the literature in individuals affected with SPATA5-related conditions. ClinVar contains an entry for this variant (Variation ID: 1360621). Algorithms developed to predict the effect of missense changes on protein structure and function are either unavailable or do not agree on the potential impact of this missense change (SIFT: "Tolerated"; PolyPhen-2: "Possibly Damaging"; Align-GVGD: "Class C0"). In summary, the available evidence is currently insufficient to determine the role of this variant in disease. Therefore, it has been classified as a Variant of Uncertain Significance.